The following is an entry in ClinVar:

NM_024996.7(GFM1):c.307C>T (p.Gln103Ter)

Gene: GFM1 (G elongation factor mitochondrial 1; plus strand). Cytogenetic location: 3q25.32.
Variant type: single nucleotide variant.
Coding change: c.307C>T on transcript NM_024996.7 (MANE Select); coding-DNA position 307, C replaced by T.
Protein change: p.Gln103Ter; replaces glutamine 103 with a stop codon.
Molecular consequence: nonsense. On other transcripts: non-coding transcript variant (3), intron variant (4).
Genome position (GRCh38, 1-based): chr3:158,646,237, C>T. VCF-style: chr3-158646237-C-T. GRCh37 (hg19) VCF-style: chr3-158364026-C-T.
Other names: c.307C>T, p.Gln103Ter (NM_001308164.2, NM_001308166.2, NM_001374355.1 and 1 more transcripts); c.82C>T, p.Gln28Ter (NM_001374357.1); c.5+456C>T (NM_001374359.1, NM_001374360.1, NM_001374361.1); c.234+456C>T (NM_001374358.1); short protein forms Q103*, Q28*.
Identifiers: ClinVar variation 1980192 (VCV001980192.5), dbSNP rs756718556, ClinGen allele CA355175578.

ClinVar aggregate classification (germline): Pathogenic/Likely pathogenic. Review status: criteria provided, multiple submitters, no conflicts (2 of 4 stars). 2 submissions from 2 submitters: Pathogenic (1); Likely pathogenic (1). Last evaluated 2024-06-13.

Conditions:
Hepatoencephalopathy due to combined oxidative phosphorylation defect type 1. Also called: HEPATOENCEPHALOPATHY, EARLY FATAL PROGRESSIVE. Identifiers: Orphanet 137681, MedGen C1836797, MONDO:0012191, OMIM 609060.

gnomAD v4.1: 7 of 1,613,678 alleles (0.00043%); highest among the groups gnomAD compares: Non-Finnish European, 0.00059%; no homozygotes.

Submissions (2):

Fulgent Genetics
Classification: Likely pathogenic for Hepatoencephalopathy due to combined oxidative phosphorylation defect type 1. Last evaluated: 2024-06-13. Review status: criteria provided, single submitter. Criteria: ACMG Guidelines, 2015. Collection method: clinical testing. Allele origin: germline.

Labcorp Genetics (formerly Invitae), Labcorp
Classification: Pathogenic. Last evaluated: 2023-06-06. Review status: criteria provided, single submitter. Criteria: Invitae Variant Classification Sherloc (09022015). Collection method: clinical testing. Allele origin: germline.
Comment: For these reasons, this variant has been classified as Pathogenic. ClinVar contains an entry for this variant (Variation ID: 1980192). This variant has not been reported in the literature in individuals affected with GFM1-related conditions. This variant is not present in population databases (gnomAD no frequency). This sequence change creates a premature translational stop signal (p.Gln103*) in the GFM1 gene. It is expected to result in an absent or disrupted protein product. Loss-of-function variants in GFM1 are known to be pathogenic (PMID: 16632485, 17160893).

Literature cited by the submitters: PubMed 16632485 (cited by Labcorp Genetics (formerly Invitae), Labcorp); PubMed 17160893 (cited by Labcorp Genetics (formerly Invitae), Labcorp).